The following is an entry in ClinVar:

ClinVar aggregate classification (germline): Uncertain significance (1 of 4 stars; one submission).

gnomAD v4.1: 2 of 1,614,152 alleles (0.00012%); highest among the groups gnomAD compares: Non-Finnish European, 0.00017%; no homozygotes.

Submission:

Labcorp Genetics (formerly Invitae), Labcorp
Classification: Uncertain significance. Last evaluated: 2025-03-21. Review status: criteria provided, single submitter. Criteria: Invitae Variant Classification Sherloc (09022015). Collection method: clinical testing. Allele origin: germline.
Comment: This sequence change replaces aspartic acid, which is acidic and polar, with valine, which is neutral and non-polar, at codon 3525 of the ANK3 protein (p.Asp3525Val). This variant is not present in population databases (gnomAD no frequency). This variant has not been reported in the literature in individuals affected with ANK3-related conditions. An algorithm developed to predict the effect of missense changes on protein structure and function (PolyPhen-2) suggests that this variant is likely to be disruptive. In summary, the available evidence is currently insufficient to determine the role of this variant in disease. Therefore, it has been classified as a Variant of Uncertain Significance.

NM_020987.5(ANK3):c.10574A>T (p.Asp3525Val)

Gene: ANK3 (ankyrin 3; minus strand). Cytogenetic location: 10q21.2.
Variant type: single nucleotide variant.
Coding change: c.10574A>T on transcript NM_020987.5 (MANE Select); coding-DNA position 10574, A replaced by T.
Protein change: p.Asp3525Val; replaces aspartic acid 3525 with valine.
Molecular consequence: missense variant. On other transcripts: intron variant (4).
Genome position (GRCh38, 1-based): chr10:60,070,307, T>A on the plus strand (A>T on the coding strand, the complement: ANK3 is on the minus strand). VCF-style: chr10-60070307-T-A. GRCh37 (hg19) VCF-style: chr10-61830065-T-A.
Other names: c.4388-2298A>T (NM_001204403.2); c.4409-2298A>T (NM_001204404.2); c.4406-2298A>T (NM_001320874.2); c.1808-2298A>T (NM_001149.4); short protein forms D3525V.
Identifiers: ClinVar variation 4767624 (VCV004767624.1).